The following is an entry in ClinVar:

NM_000038.6(APC):c.2935A>G (p.Met979Val)

Gene: APC (APC regulator of Wnt signaling pathway; plus strand). Cytogenetic location: 5q22.2.
Variant type: single nucleotide variant.
Coding change: c.2935A>G on transcript NM_000038.6 (MANE Select); coding-DNA position 2935, A replaced by G.
Protein change: p.Met979Val; replaces methionine 979 with valine.
Molecular consequence: missense variant.
Genome position (GRCh38, 1-based): chr5:112,838,529, A>G. VCF-style: chr5-112838529-A-G. GRCh37 (hg19) VCF-style: chr5-112174226-A-G.
Other names: c.2935A>G, p.Met979Val (NM_001127510.3, NM_001354895.2); c.2881A>G, p.Met961Val (NM_001127511.3); c.2989A>G, p.Met997Val (NM_001354896.2); c.2965A>G, p.Met989Val (NM_001354897.2); c.2860A>G, p.Met954Val (NM_001354898.2); c.2851A>G, p.Met951Val (NM_001354899.2); c.2812A>G, p.Met938Val (NM_001354900.2); c.2758A>G, p.Met920Val (NM_001354901.2); and 5 more; short protein forms M696V, M888V, M938V, M961V, M989V, M954V, M819V, M853V.
Identifiers: ClinVar variation 822307 (VCV000822307.19), dbSNP rs1580629000, ClinGen allele CA16027742.
Genomic context (GRCh38, chr5:112,838,529, plus strand): 5'-TCTTCAAATGATAGTTTAAATAGTGTCAGTAGTAGTGATGGTTATGGTAAAAGAGGTCAA[A>G]TGAAACCCTCGATTGAATCCTATTCTGAAGATGATGAAAGTAAGTTTTGCAGTTATGGTC-3'
Protein context (NP_000029.2, residues 969-989): SSDGYGKRGQ[Met979Val]KPSIESYSED

ClinVar aggregate classification (germline): Uncertain significance. Review status: criteria provided, multiple submitters, no conflicts (2 of 4 stars). 3 submissions from 3 submitters: Uncertain significance (3). Last evaluated 2026-01-27.

Conditions:
Familial adenomatous polyposis 1 (FAP1). Also called: FAMILIAL ADENOMATOUS POLYPOSIS 1, ATTENUATED; POLYPOSIS, ADENOMATOUS INTESTINAL. Identifiers: MedGen C2713442, MONDO:0021056, OMIM 175100. Disease mechanism: loss of function.
Hereditary cancer-predisposing syndrome. Also called: Tumor predisposition; Hereditary Cancer Syndrome; Neoplastic Syndromes, Hereditary; Hereditary neoplastic syndrome. Identifiers: Orphanet 140162, MedGen C0027672, MeSH D009386, MONDO:0015356.

Allele frequency attached by ClinVar (database versions not stated): gnomAD exomes below 0.00001; TOPMed 0.00001.
gnomAD v4.1: 1 of 1,614,236 alleles (0.000062%); highest among the groups gnomAD compares: Non-Finnish European, 0.000085%; no homozygotes.

Submissions (3):

Labcorp Genetics (formerly Invitae), Labcorp
Classification: Uncertain significance for Familial adenomatous polyposis 1. Last evaluated: 2026-01-27. Review status: criteria provided, single submitter. Criteria: Invitae Variant Classification Sherloc (09022015). Collection method: clinical testing. Allele origin: germline.
Comment: This sequence change replaces methionine, which is neutral and non-polar, with valine, which is neutral and non-polar, at codon 979 of the APC protein (p.Met979Val). This variant is not present in population databases (gnomAD no frequency). This variant has not been reported in the literature in individuals affected with APC-related conditions. ClinVar contains an entry for this variant (Variation ID: 822307). Invitae Evidence Modeling of protein sequence and biophysical properties (such as structural, functional, and spatial information, amino acid conservation, physicochemical variation, residue mobility, and thermodynamic stability) indicates that this missense variant is not expected to disrupt APC protein function with a negative predictive value of 95%. In summary, the available evidence is currently insufficient to determine the role of this variant in disease. Therefore, it has been classified as a Variant of Uncertain Significance.

Ambry Genetics
Classification: Uncertain significance for Hereditary cancer-predisposing syndrome. Last evaluated: 2025-09-26. Review status: criteria provided, single submitter. Criteria: Ambry Variant Classification Scheme 2023. Collection method: clinical testing. Allele origin: germline.
Comment: The p.M979V variant (also known as c.2935A>G), located in coding exon 15 of the APC gene, results from an A to G substitution at nucleotide position 2935. The methionine at codon 979 is replaced by valine, an amino acid with highly similar properties. This amino acid position is well conserved in available vertebrate species. In addition, in silico predictors for this gene do not accurately predict pathogenicity. Since supporting evidence is limited at this time, the clinical significance of this alteration remains unclear.

Color Diagnostics, LLC DBA Color Health
Classification: Uncertain significance for Hereditary cancer-predisposing syndrome. Last evaluated: 2024-03-06. Review status: criteria provided, single submitter. Criteria: ACMG Guidelines, 2015. Collection method: clinical testing. Allele origin: germline.
Comment: This missense variant replaces methionine with valine at codon 979 of the APC protein. Computational prediction suggests that this variant may not impact protein structure and function (internally defined REVEL score threshold <= 0.5, PMID: 27666373). Splice site prediction tools suggest that this variant may not impact RNA splicing. To our knowledge, functional studies have not been performed for this variant. This variant has not been reported in individuals affected with hereditary cancer in the literature. This variant has not been identified in the general population by the Genome Aggregation Database (gnomAD). The available evidence is insufficient to determine the role of this variant in disease conclusively. Therefore, this variant is classified as a Variant of Uncertain Significance.